The following is an entry in ClinVar:

ClinVar aggregate classification (germline): Conflicting classifications of pathogenicity. Review status: criteria provided, conflicting classifications (1 of 4 stars). 9 submissions from 9 submitters: Uncertain significance (1); Likely benign (8). Last evaluated 2026-03-27.

Conditions:
TTN-related disorder. Also called: TTN-related disorders; TTN-related condition; TTN-related disease.
Cardiovascular phenotype. Identifiers: MedGen CN230736.
Dilated cardiomyopathy 1G (CMD1G). Identifiers: Orphanet 154, MedGen C1858763, MONDO:0011400, OMIM 604145.
Autosomal recessive limb-girdle muscular dystrophy type 2J (LGMDR10). Also called: Limb-girdle muscular dystrophy, type 2J; MUSCULAR DYSTROPHY, LIMB-GIRDLE, AUTOSOMAL RECESSIVE 10. Identifiers: Orphanet 140922, MedGen C1837342, MONDO:0012127, OMIM 608807.

Allele frequency attached by ClinVar (database versions not stated): ExAC 0.00001; gnomAD exomes 0.00001 and 0.00004; TOPMed 0.00002.
gnomAD v4.1: 58 of 1,613,878 alleles (0.0036%); highest among the groups gnomAD compares: Middle Eastern, 0.59%; 2 homozygotes.

Submissions (9):

Molecular Diagnostic Laboratory for Inherited Cardiovascular Disease, Montreal Heart Institute
Classification: Likely benign. Last evaluated: 2026-03-27. Review status: criteria provided, single submitter. Criteria: ACMG Guidelines, 2015. Collection method: clinical testing. Allele origin: germline. Affected: no.
Comment: BS1;BP7

Labcorp Genetics (formerly Invitae), Labcorp
Classification: Likely benign for Dilated cardiomyopathy 1G; Autosomal recessive limb-girdle muscular dystrophy type 2J. Last evaluated: 2026-01-19. Review status: criteria provided, single submitter. Criteria: Invitae Variant Classification Sherloc (09022015). Collection method: clinical testing. Allele origin: germline.

Women's Health and Genetics/Laboratory Corporation of America, LabCorp
Classification: Likely benign. Last evaluated: 2025-07-03. Review status: criteria provided, single submitter. Criteria: LabCorp Variant Classification Summary - May 2015. Collection method: clinical testing. Allele origin: germline.

PreventionGenetics, part of Exact Sciences
Classification: Likely benign for TTN-related condition. Last evaluated: 2024-11-12. Review status: criteria provided, single submitter. Criteria: ACMG Guidelines, 2015. Collection method: clinical testing. Allele origin: germline.
Comment: This variant is classified as likely benign based on ACMG/AMP sequence variant interpretation guidelines (Richards et al. 2015 PMID: 25741868, with internal and published modifications).

CeGaT Center for Human Genetics Tuebingen
Classification: Likely benign. Last evaluated: 2024-09-01. Review status: criteria provided, single submitter. Criteria: CeGaT Center For Human Genetics Tuebingen Variant Classification Criteria Version 2. Collection method: clinical testing. Allele origin: germline. Affected: yes. Observed: 8 variant alleles.
Comment: TTN: BP4, BP7

Blueprint Genetics
Classification: Likely benign. Last evaluated: 2024-06-12. Review status: criteria provided, single submitter. Criteria: ACMG Guidelines, 2015. Collection method: clinical testing. Allele origin: germline.

Eurofins Ntd Llc (ga)
Classification: Uncertain significance. Last evaluated: 2016-03-17. Review status: criteria provided, single submitter. Criteria: EGL Classification Definitions 2015. Collection method: clinical testing. Allele origin: germline. Observed: 4 variant alleles, 4 heterozygotes.

Ambry Genetics
Classification: Likely benign for Cardiovascular phenotype. Last evaluated: 2015-11-19. Review status: criteria provided, single submitter. Criteria: Ambry Variant Classification Scheme 2023. Collection method: clinical testing. Allele origin: germline.

Laboratory for Molecular Medicine, Mass General Brigham Personalized Medicine
Classification: Likely benign. Last evaluated: 2015-10-30. Review status: criteria provided, single submitter. Criteria: LMM Criteria. Collection method: clinical testing. Allele origin: germline. Observed: 4 variant alleles.
Comment: p.Glu28756Glu in exon 288 of TTN: This variant is not expected to have clinical significance because it does not alter an amino acid residue and is not located within the splice consensus sequence. It has been identified in 1/66732 of Europ ean chromosomes by the Exome Aggregation Consortium (ExAC).

NM_001267550.2(TTN):c.93972A>G (p.Glu31324=)

Genes: TTN (titin; minus strand), TTN-AS1 (TTN antisense RNA 1; plus strand). Cytogenetic location: 2q31.2.
Variant type: single nucleotide variant.
Coding change: c.93972A>G on transcript NM_001267550.2 (MANE Select); coding-DNA position 93972, A replaced by G.
Protein change: p.Glu31324=; no amino-acid change (glutamic acid 31324 retained).
Molecular consequence: synonymous variant.
Genome position (GRCh38, 1-based): chr2:178,547,654, T>C on the plus strand (A>G on the coding strand, the complement: TTN is on the minus strand). VCF-style: chr2-178547654-T-C. GRCh37 (hg19) VCF-style: chr2-179412381-T-C.
Other names: c.89049A>G, p.Glu29683= (NM_001256850.1); c.67152A>G, p.Glu22384= (NM_133432.3); c.67353A>G, p.Glu22451= (NM_133437.4); c.66777A>G, p.Glu22259= (NM_003319.4); c.86268A>G, p.Glu28756= (NM_133378.4).
Identifiers: ClinVar variation 178905 (VCV000178905.65), dbSNP rs727504528, ClinGen allele CA183275.
Genomic context (GRCh38, chr2:178,547,654, plus strand): 5'-GTAATTAGTAATTTCAGTGCCTCCTCCATCTTTAGGTTCTCCCCATGACAGGACACACGA[T>C]TCAGCTGAGACAGATGAGACCTCAATGGGGCCGGTTACTGGACCTGGCCTTCCAATGACC-3'
Protein context (NP_001254479.2, residues 31314-31334): GPIEVSSVSA[Glu31324=]SCVLSWGEPK